The following is an entry in ClinVar:

ClinVar aggregate classification (germline): Likely benign. Review status: criteria provided, single submitter (1 of 4 stars). 2 submissions from 2 submitters: Likely benign (1). 1 of the submissions does not count toward it. Last evaluated 2025-10-01.

Conditions:
BBS4-related disorder. Also called: BBS4-related condition.
Bardet-Biedl syndrome (BBS). Identifiers: Orphanet 110, MedGen C0752166, MONDO:0015229.

Allele frequency attached by ClinVar (database versions not stated): gnomAD exomes 0.00001 and 0.00003; TOPMed 0.00003; gnomAD 0.00004.
gnomAD v4.1: 43 of 1,613,970 alleles (0.0027%); highest among the groups gnomAD compares: Non-Finnish European, 0.0036%; no homozygotes.

Submissions (2):

Labcorp Genetics (formerly Invitae), Labcorp
Classification: Likely benign for Bardet-Biedl syndrome. Last evaluated: 2025-10-01. Review status: criteria provided, single submitter. Criteria: Invitae Variant Classification Sherloc (09022015). Collection method: clinical testing. Allele origin: germline.

PreventionGenetics, part of Exact Sciences
Classification: Likely benign for BBS4-related condition. Last evaluated: 2021-02-16. Review status: no assertion criteria provided. Collection method: clinical testing. Allele origin: germline. Not counted in ClinVar's aggregate classification.
Comment: This variant is classified as likely benign based on ACMG/AMP sequence variant interpretation guidelines (Richards et al. 2015 PMID: 25741868, with internal and published modifications).

NM_033028.5(BBS4):c.480T>C (p.Asn160=)

Gene: BBS4 (Bardet-Biedl syndrome 4; plus strand). Cytogenetic location: 15q24.1.
Variant type: single nucleotide variant.
Coding change: c.480T>C on transcript NM_033028.5 (MANE Select); coding-DNA position 480, T replaced by C.
Protein change: p.Asn160=; no amino-acid change (asparagine 160 retained).
Molecular consequence: synonymous variant. On other transcripts: 5 prime UTR variant (1), non-coding transcript variant (2).
Genome position (GRCh38, 1-based): chr15:72,724,548, T>C. VCF-style: chr15-72724548-T-C. GRCh37 (hg19) VCF-style: chr15-73016889-T-C.
Other names: c.-37T>C (NM_001252678.2); c.480T>C, p.Asn160= (NM_001320665.2); c.480T>C (NM_033028.4).
Identifiers: ClinVar variation 1078877 (VCV001078877.11), dbSNP rs894151156, ClinGen allele CA272644330.